The following is an entry in ClinVar:

ClinVar aggregate classification (germline): Conflicting classifications of pathogenicity. Review status: criteria provided, conflicting classifications (1 of 4 stars). 2 submissions from 2 submitters: Likely pathogenic (1); Uncertain significance (1). Last evaluated 2023-09-05.

Submissions (2):

Labcorp Genetics (formerly Invitae), Labcorp
Classification: Likely pathogenic. Last evaluated: 2023-09-05. Review status: criteria provided, single submitter. Criteria: Invitae Variant Classification Sherloc (09022015). Collection method: clinical testing. Allele origin: germline.
Comment: In summary, the currently available evidence indicates that the variant is pathogenic, but additional data are needed to prove that conclusively. Therefore, this variant has been classified as Likely Pathogenic. This variant disrupts the p.Ala138 amino acid residue in ECHS1. Other variant(s) that disrupt this residue have been determined to be pathogenic (PMID: 26251176). This suggests that this residue is clinically significant, and that variants that disrupt this residue are likely to be disease-causing. An algorithm developed to predict the effect of missense changes on protein structure and function (PolyPhen-2) suggests that this variant is likely to be disruptive. ClinVar contains an entry for this variant (Variation ID: 1809750). This missense change has been observed in individual(s) with clinical features of short-chain enoyl-CoA hydratase deficiency (Invitae). In at least one individual the data is consistent with being in trans (on the opposite chromosome) from a pathogenic variant. It has also been observed to segregate with disease in related individuals. This variant is not present in population databases (gnomAD no frequency). This sequence change replaces alanine, which is neutral and non-polar, with threonine, which is neutral and polar, at codon 138 of the ECHS1 protein (p.Ala138Thr).

Athena Diagnostics
Classification: Uncertain significance. Last evaluated: 2021-08-20. Review status: criteria provided, single submitter. Criteria: Athena Diagnostics Criteria. Collection method: clinical testing. Allele origin: unknown.
Comment: This observation is not an independent occurrence and has been identified in the same individual by RCIGM, the other laboratory participating in the GEMINI study.

Literature cited by the submitters: PubMed 26251176 (cited by Labcorp Genetics (formerly Invitae), Labcorp).

NM_004092.4(ECHS1):c.412G>A (p.Ala138Thr)

Gene: ECHS1 (enoyl-CoA hydratase, short chain 1; minus strand). Cytogenetic location: 10q26.3.
Variant type: single nucleotide variant.
Coding change: c.412G>A on transcript NM_004092.4 (MANE Select); coding-DNA position 412, G replaced by A.
Protein change: p.Ala138Thr; replaces alanine 138 with threonine.
Molecular consequence: missense variant.
Genome position (GRCh38, 1-based): chr10:133,369,906, C>T on the plus strand (G>A on the coding strand, the complement: ECHS1 is on the minus strand). VCF-style: chr10-133369906-C-T. GRCh37 (hg19) VCF-style: chr10-135183410-C-T.
Other names: short protein forms A138T.
Identifiers: ClinVar variation 1809750 (VCV001809750.4), dbSNP rs2493842342, ClinGen allele CA378821146.
Genomic context (GRCh38, chr10:133,369,906, plus strand): 5'-ATGCACAGCACGGTTCCTTCAACCACGAGAGGAGGAGACTCTTGGCAGCAACACTCACGG[C>T]ATAGCCATTGACAGCAGCGATGACTGGCTTCTTGACCTGGGTGAGGTGGTCCCAGTGCTT-3'
Protein context (NP_004083.3, residues 128-148): KPVIAAVNGY[Ala138Thr]FGGGCELAMM